The following is an entry in ClinVar:

ClinVar aggregate classification (germline): Uncertain significance. Review status: criteria provided, multiple submitters, no conflicts (2 of 4 stars). 2 submissions from 2 submitters: Uncertain significance (2). Last evaluated 2023-12-11.

Conditions:
Erythrocytosis, familial, 3 (ECYT3). Identifiers: Orphanet 247511, MedGen C1853286, MONDO:0012353, OMIM 609820.

Allele frequency attached by ClinVar (database versions not stated): TOPMed below 0.00001; gnomAD exomes 0.00001.
gnomAD v4.1: 8 of 1,301,582 alleles (0.00061%); highest among the groups gnomAD compares: Non-Finnish European, 0.00068%; no homozygotes.

Submissions (2):

Ambry Genetics
Classification: Uncertain significance. Last evaluated: 2023-12-11. Review status: criteria provided, single submitter. Criteria: Ambry Variant Classification Scheme 2023. Collection method: clinical testing. Allele origin: germline.
Comment: The p.A121G variant (also known as c.362C>G), located in coding exon 1 of the EGLN1 gene, results from a C to G substitution at nucleotide position 362. The alanine at codon 121 is replaced by glycine, an amino acid with similar properties. This amino acid position is conserved. In addition, this alteration is predicted to be tolerated by in silico analysis. Since supporting evidence is limited at this time, the clinical significance of this alteration remains unclear.

Labcorp Genetics (formerly Invitae), Labcorp
Classification: Uncertain significance for Erythrocytosis, familial, 3. Last evaluated: 2020-03-10. Review status: criteria provided, single submitter. Criteria: Invitae Variant Classification Sherloc (09022015). Collection method: clinical testing. Allele origin: germline.
Comment: In summary, the available evidence is currently insufficient to determine the role of this variant in disease. Therefore, it has been classified as a Variant of Uncertain Significance. Algorithms developed to predict the effect of missense changes on protein structure and function are either unavailable or do not agree on the potential impact of this missense change (SIFT: "Tolerated"; PolyPhen-2: "Possibly Damaging"; Align-GVGD: "Class C0"). This variant has not been reported in the literature in individuals with EGLN1-related conditions. The frequency data for this variant in the population databases is considered unreliable, as metrics indicate insufficient coverage at this position in the ExAC database. This sequence change replaces alanine with glycine at codon 121 of the EGLN1 protein (p.Ala121Gly). The alanine residue is moderately conserved and there is a small physicochemical difference between alanine and glycine.

NM_022051.3(EGLN1):c.362C>G (p.Ala121Gly)

Gene: EGLN1 (egl-9 family hypoxia inducible factor 1; minus strand). Cytogenetic location: 1q42.2.
Variant type: single nucleotide variant.
Coding change: c.362C>G on transcript NM_022051.3 (MANE Select); coding-DNA position 362, C replaced by G.
Protein change: p.Ala121Gly; replaces alanine 121 with glycine.
Molecular consequence: missense variant.
Genome position (GRCh38, 1-based): chr1:231,421,527, G>C on the plus strand (C>G on the coding strand, the complement: EGLN1 is on the minus strand). VCF-style: chr1-231421527-G-C. GRCh37 (hg19) VCF-style: chr1-231557273-G-C.
Other names: c.362C>G, p.Ala121Gly (NM_001377260.1, NM_001377261.1); short protein forms A121G.
Identifiers: ClinVar variation 1018668 (VCV001018668.7), dbSNP rs1312410428, ClinGen allele CA345237467.